The following is an entry in ClinVar:

ClinVar aggregate classification (germline): Uncertain significance (1 of 4 stars; one submission).

gnomAD v4.1: 31 of 1,167,576 alleles (0.0027%); highest among the groups gnomAD compares: Middle Eastern, 0.023%; no homozygotes.

Submission:

GeneDx
Classification: Uncertain significance. Last evaluated: 2022-07-22. Review status: criteria provided, single submitter. Criteria: GeneDx Variant Classification Process June 2021. Collection method: clinical testing. Allele origin: germline. Affected: yes.
Comment: Not observed at significant frequency in large population cohorts (gnomAD); In silico analysis supports that this missense variant does not alter protein structure/function; Has not been previously published as pathogenic or benign to our knowledge

NM_003413.4(ZIC3):c.304C>G (p.Pro102Ala)

Gene: ZIC3 (Zic family member 3; plus strand). Cytogenetic location: Xq26.3.
Variant type: single nucleotide variant.
Coding change: c.304C>G on transcript NM_003413.4 (MANE Select); coding-DNA position 304, C replaced by G.
Protein change: p.Pro102Ala; replaces proline 102 with alanine.
Molecular consequence: missense variant.
Genome position (GRCh38, 1-based): chrX:137,566,995, C>G. VCF-style: chrX-137566995-C-G. GRCh37 (hg19) VCF-style: chrX-136649154-C-G.
Other names: c.304C>G, p.Pro102Ala (NM_001330661.1); short protein forms P102A.
Identifiers: ClinVar variation 2136181 (VCV002136181.1), dbSNP rs1931355457, ClinGen allele CA414769636.
Genomic context (GRCh38, chrX:137,566,995, plus strand): 5'-GCCAACGCCCTGGGCCACCATCACCACCACCATCACCATCATCACCACACCAGCCAGGTG[C>G]CCAGCTACGGTGGCGCTGCCTCTGCCGCCTTCAACTCAACGCGCGAGTTTCTGTTCCGCC-3'
Protein context (NP_003404.1, residues 92-112): HHHHHHTSQV[Pro102Ala]SYGGAASAAF